The following is an entry in ClinVar:

ClinVar aggregate classification (germline): Conflicting classifications of pathogenicity. Review status: criteria provided, conflicting classifications (1 of 4 stars). 2 submissions from 2 submitters: Uncertain significance (1); Benign (1). Last evaluated 2025-08-25.

Conditions:
Inborn genetic diseases. Identifiers: MedGen C0950123, MeSH D030342.
White sponge nevus 1. Also called: LEUKOKERATOSIS, HEREDITARY MUCOSAL. Identifiers: MedGen C4011926, MONDO:0008676, OMIM 193900.

Allele frequency attached by ClinVar (database versions not stated): TOPMed 0.00053; ExAC 0.00056; gnomAD 0.00093 and 0.00094; ESP Exome Variant Server 0.00108.

Submissions (2):

Ambry Genetics
Classification: Uncertain significance for Inborn genetic diseases. Last evaluated: 2025-08-25. Review status: criteria provided, single submitter. Criteria: Ambry Variant Classification Scheme 2023. Collection method: clinical testing. Allele origin: germline.

Illumina Laboratory Services, Illumina
Classification: Benign for White sponge nevus 1. Last evaluated: 2018-01-13. Review status: criteria provided, single submitter. Criteria: ICSL Variant Classification Criteria 13 December 2019. Collection method: clinical testing. Allele origin: germline.
Comment: This variant was observed in the ICSL laboratory as part of a predisposition screen in an ostensibly healthy population. It had not been previously curated by ICSL or reported in the Human Gene Mutation Database (HGMD: prior to June 1st, 2018), and was therefore a candidate for classification through an automated scoring system. Utilizing variant allele frequency, disease prevalence and penetrance estimates, and inheritance mode, an automated score was calculated to assess if this variant is too frequent to cause the disease. Based on the score and internal cut-off values, a variant classified as benign is not then subjected to further curation. The score for this variant resulted in a classification of benign for this disease.

NM_002272.4(KRT4):c.361C>A (p.Pro121Thr)

Gene: KRT4 (keratin 4; minus strand). Cytogenetic location: 12q13.13.
Variant type: single nucleotide variant.
Coding change: c.361C>A on transcript NM_002272.4 (MANE Select); coding-DNA position 361, C replaced by A.
Protein change: p.Pro121Thr; replaces proline 121 with threonine.
Molecular consequence: missense variant.
Genome position (GRCh38, 1-based): chr12:52,813,698, G>T on the plus strand (C>A on the coding strand, the complement: KRT4 is on the minus strand). VCF-style: chr12-52813698-G-T. GRCh37 (hg19) VCF-style: chr12-53207482-G-T.
Other names: short protein forms P121T.
Identifiers: ClinVar variation 883597 (VCV000883597.7), dbSNP rs200831095, ClinGen allele CA6588764.